The following is an entry in ClinVar:

NM_000079.4(CHRNA1):c.314T>C (p.Ile105Thr)

Gene: CHRNA1 (cholinergic receptor nicotinic alpha 1 subunit; minus strand). Cytogenetic location: 2q31.1.
Variant type: single nucleotide variant.
Coding change: c.314T>C on transcript NM_000079.4 (MANE Select); coding-DNA position 314, T replaced by C.
Protein change: p.Ile105Thr; replaces isoleucine 105 with threonine.
Molecular consequence: missense variant.
Genome position (GRCh38, 1-based): chr2:174,757,596, A>G on the plus strand (T>C on the coding strand, the complement: CHRNA1 is on the minus strand). VCF-style: chr2-174757596-A-G. GRCh37 (hg19) VCF-style: chr2-175622324-A-G.
Other names: c.389T>C, p.Ile130Thr (NM_001039523.3); short protein forms I105T, I130T.
Identifiers: ClinVar variation 855650 (VCV000855650.5), dbSNP rs764809207, ClinGen allele CA1974593.
Genomic context (GRCh38, chr2:174,757,596, plus strand): 5'-CACCCTCCGCCACCCATGCAGTTTGCTCACTTGTTATAGAGAACAAGGTCTGGGCGCCAG[A>G]TCTTTTCTGAAGGAATGTGAATTTTTTTCACACCGCCATAGTCATCTGGATTCCATTTTA-3'
Protein context (NP_000070.1, residues 95-115): VKKIHIPSEK[Ile105Thr]WRPDLVLYNN

ClinVar aggregate classification (germline): Uncertain significance. Review status: criteria provided, multiple submitters, no conflicts (2 of 4 stars). 2 submissions from 2 submitters: Uncertain significance (2). Last evaluated 2026-01-18.

Conditions:
Lethal multiple pterygium syndrome (LMPS). Identifiers: Orphanet 33108, MedGen C1854678, MONDO:0009668, OMIM 253290.
Inborn genetic diseases. Identifiers: MedGen C0950123, MeSH D030342.

Allele frequency attached by ClinVar (database versions not stated): ExAC 0.00001; gnomAD 0.00001; TOPMed 0.00001; gnomAD exomes 0.00002 and 0.00007.
gnomAD v4.1: 109 of 1,614,050 alleles (0.0068%); highest among the groups gnomAD compares: Non-Finnish European, 0.0089%; no homozygotes.

Submissions (2):

Labcorp Genetics (formerly Invitae), Labcorp
Classification: Uncertain significance for Lethal multiple pterygium syndrome. Last evaluated: 2026-01-18. Review status: criteria provided, single submitter. Criteria: Invitae Variant Classification Sherloc (09022015). Collection method: clinical testing. Allele origin: germline.
Comment: This sequence change replaces isoleucine, which is neutral and non-polar, with threonine, which is neutral and polar, at codon 105 of the CHRNA1 protein (p.Ile105Thr). This variant is present in population databases (rs764809207, gnomAD 0.004%). This variant has not been reported in the literature in individuals affected with CHRNA1-related conditions. ClinVar contains an entry for this variant (Variation ID: 855650). Invitae Evidence Modeling of protein sequence and biophysical properties (such as structural, functional, and spatial information, amino acid conservation, physicochemical variation, residue mobility, and thermodynamic stability) indicates that this missense variant is not expected to disrupt CHRNA1 protein function with a negative predictive value of 80%. In summary, the available evidence is currently insufficient to determine the role of this variant in disease. Therefore, it has been classified as a Variant of Uncertain Significance.

Ambry Genetics
Classification: Uncertain significance for Inborn genetic diseases. Last evaluated: 2023-11-09. Review status: criteria provided, single submitter. Criteria: Ambry Variant Classification Scheme 2023. Collection method: clinical testing. Allele origin: germline.